The following is an entry in ClinVar:

ClinVar aggregate classification (germline): Uncertain significance (1 of 4 stars; one submission).

Conditions:
Cardiovascular phenotype. Identifiers: MedGen CN230736.

Allele frequency attached by ClinVar (database versions not stated): gnomAD exomes below 0.00001.
gnomAD v4.1: 2 of 1,613,868 alleles (0.00012%); highest among the groups gnomAD compares: Non-Finnish European, 0.00017%; no homozygotes.

Submission:

Ambry Genetics
Classification: Uncertain significance for Cardiovascular phenotype. Last evaluated: 2021-08-31. Review status: criteria provided, single submitter. Criteria: Ambry Variant Classification Scheme 2023. Collection method: clinical testing. Allele origin: germline.
Comment: The p.Q1491E variant (also known as c.4471C>G), located in coding exon 31 of the ABCA1 gene, results from a C to G substitution at nucleotide position 4471. The glutamine at codon 1491 is replaced by glutamic acid, an amino acid with highly similar properties. This amino acid position is conserved. In addition, the in silico prediction for this alteration is inconclusive. Since supporting evidence is limited at this time, the clinical significance of this alteration remains unclear.

NM_005502.4(ABCA1):c.4471C>G (p.Gln1491Glu)

Gene: ABCA1 (ATP binding cassette subfamily A member 1; minus strand). Cytogenetic location: 9q31.1.
Variant type: single nucleotide variant.
Coding change: c.4471C>G on transcript NM_005502.4 (MANE Select); coding-DNA position 4471, C replaced by G.
Protein change: p.Gln1491Glu; replaces glutamine 1491 with glutamic acid.
Molecular consequence: missense variant.
Genome position (GRCh38, 1-based): chr9:104,804,714, G>C on the plus strand (C>G on the coding strand, the complement: ABCA1 is on the minus strand). VCF-style: chr9-104804714-G-C. GRCh37 (hg19) VCF-style: chr9-107566995-G-C.
Other names: short protein forms Q1491E.
Identifiers: ClinVar variation 1740837 (VCV001740837.2), dbSNP rs2538089870, ClinGen allele CA374315418.